The following is an entry in ClinVar:

ClinVar aggregate classification (germline): Uncertain significance. Review status: criteria provided, multiple submitters, no conflicts (2 of 4 stars). 2 submissions from 2 submitters: Uncertain significance (2). Last evaluated 2021-02-19.

Conditions:
Familial cancer of breast. Also called: hereditary breast carcinoma; BREAST CANCER, FAMILIAL; Hereditary breast cancer. Identifiers: Orphanet 227535, MedGen C0346153, MONDO:0016419, OMIM 114480. Disease mechanism: loss of function.
Fanconi anemia complementation group J. Also called: BRIP1-Related Fanconi Anemia. Identifiers: Orphanet 84, MedGen C1836860, MONDO:0012187, OMIM 609054.
Hereditary cancer-predisposing syndrome. Also called: Hereditary neoplastic syndrome; Neoplastic Syndromes, Hereditary; Tumor predisposition; Hereditary Cancer Syndrome. Identifiers: Orphanet 140162, MedGen C0027672, MeSH D009386, MONDO:0015356.

Submissions (2):

Ambry Genetics
Classification: Uncertain significance for Hereditary cancer-predisposing syndrome. Last evaluated: 2021-02-19. Review status: criteria provided, single submitter. Criteria: Ambry Variant Classification Scheme 2023. Collection method: clinical testing. Allele origin: germline.
Comment: The p.H1227D variant (also known as c.3679C>G), located in coding exon 19 of the BRIP1 gene, results from a C to G substitution at nucleotide position 3679. The histidine at codon 1227 is replaced by aspartic acid, an amino acid with similar properties. This amino acid position is poorly conserved in available vertebrate species. In addition, this alteration is predicted to be tolerated by in silico analysis. Since supporting evidence is limited at this time, the clinical significance of this alteration remains unclear.

Labcorp Genetics (formerly Invitae), Labcorp
Classification: Uncertain significance for Familial cancer of breast; Fanconi anemia complementation group J. Last evaluated: 2020-09-09. Review status: criteria provided, single submitter. Criteria: Invitae Variant Classification Sherloc (09022015). Collection method: clinical testing. Allele origin: germline.
Comment: In summary, the available evidence is currently insufficient to determine the role of this variant in disease. Therefore, it has been classified as a Variant of Uncertain Significance. This sequence change replaces histidine with aspartic acid at codon 1227 of the BRIP1 protein (p.His1227Asp). The histidine residue is weakly conserved and there is a moderate physicochemical difference between histidine and aspartic acid. This variant is not present in population databases (ExAC no frequency). This variant has not been reported in the literature in individuals with BRIP1-related conditions. Algorithms developed to predict the effect of missense changes on protein structure and function (SIFT, PolyPhen-2, Align-GVGD) all suggest that this variant is likely to be tolerated, but these predictions have not been confirmed by published functional studies and their clinical significance is uncertain.

NM_032043.3(BRIP1):c.3679C>G (p.His1227Asp)

Gene: BRIP1 (BRCA1 interacting DNA helicase 1; minus strand). Cytogenetic location: 17q23.2.
Variant type: single nucleotide variant.
Coding change: c.3679C>G on transcript NM_032043.3 (MANE Select); coding-DNA position 3679, C replaced by G.
Protein change: p.His1227Asp; replaces histidine 1227 with aspartic acid.
Molecular consequence: missense variant.
Genome position (GRCh38, 1-based): chr17:61,683,367, G>C on the plus strand (C>G on the coding strand, the complement: BRIP1 is on the minus strand). VCF-style: chr17-61683367-G-C. GRCh37 (hg19) VCF-style: chr17-59760728-G-C.
Other names: short protein forms H1227D.
Identifiers: ClinVar variation 1004910 (VCV001004910.12), dbSNP rs2061297833, ClinGen allele CA400477842.
Genomic context (GRCh38, chr17:61,683,367, plus strand): 5'-CAGGAAACATGCCTTTATTTTTGGAAGGAGATGGTTTAAAGTTCTTTATTTCTATTTCAT[G>C]AGTTTTTCCCAGTTCCAGTTCATTTATCCAAGTTGTTTTTACATTACCATCAATGTCATC-3'
Protein context (NP_114432.2, residues 1217-1237): WINELELGKT[His1227Asp]EIEIKNFKPS